The following is an entry in ClinVar:

ClinVar aggregate classification (germline): Uncertain significance (1 of 4 stars; one submission).

Submission:

Labcorp Genetics (formerly Invitae), Labcorp
Classification: Uncertain significance. Last evaluated: 2024-05-21. Review status: criteria provided, single submitter. Criteria: Invitae Variant Classification Sherloc (09022015). Collection method: clinical testing. Allele origin: germline.
Comment: This variant, c.3272_3274del, results in the deletion of 1 amino acid(s) of the REST protein (p.Glu1091del), but otherwise preserves the integrity of the reading frame. This variant is present in population databases (rs767853298, gnomAD 0.003%). This variant has not been reported in the literature in individuals affected with REST-related conditions. Experimental studies and prediction algorithms are not available or were not evaluated, and the functional significance of this variant is currently unknown. In summary, the available evidence is currently insufficient to determine the role of this variant in disease. Therefore, it has been classified as a Variant of Uncertain Significance.

NM_005612.5(REST):c.3269AAG[1] (p.Glu1091del)

Gene: REST (RE1 silencing transcription factor; plus strand). Cytogenetic location: 4q12.
Variant type: Microsatellite.
Coding change: c.3269AAG[1] on transcript NM_005612.5 (MANE Select); one copy of the 3-base unit AAG starting at c.3269; the reference has two copies in a row; one copy, 3 bases deleted.
Protein change: p.Glu1091del; deletes glutamic acid 1091.
Molecular consequence: inframe deletion. On other transcripts: inframe indel (2).
Genome position (GRCh38, 1-based): chr4:56,932,130-56,932,132, AAG deleted; deleting any 3 consecutive bases within chr4:56,932,126-56,932,132 gives the same sequence; the position shown is the placement nearest the transcript's 3' end. VCF-style (leftmost placement, unchanged base first): chr4-56932125-TGAA-T. GRCh37 (hg19) VCF-style: chr4-57798291-TGAA-T.
Other names: c.3269_3271AAG[1], p.Glu1091del (NM_001193508.2, NM_001363453.3); short protein forms E1091del.
Identifiers: ClinVar variation 1376206 (VCV001376206.8), dbSNP rs767853298, ClinGen allele CA2932640.